The following is an entry in ClinVar:

ClinVar aggregate classification (germline): Likely pathogenic (1 of 4 stars; one submission).

Submission:

Labcorp Genetics (formerly Invitae), Labcorp
Classification: Likely pathogenic. Last evaluated: 2024-02-16. Review status: criteria provided, single submitter. Criteria: Invitae Variant Classification Sherloc (09022015). Collection method: clinical testing. Allele origin: germline.
Comment: This sequence change affects a donor splice site in intron 6 of the CEP78 gene. It is expected to disrupt RNA splicing. Variants that disrupt the donor or acceptor splice site typically lead to a loss of protein function (PMID: 16199547), and loss-of-function variants in CEP78 are known to be pathogenic (PMID: 27588451, 27588452, 27627988). This variant is not present in population databases (gnomAD no frequency). This variant has not been reported in the literature in individuals affected with CEP78-related conditions. Algorithms developed to predict the effect of sequence changes on RNA splicing suggest that this variant may disrupt the consensus splice site. In summary, the currently available evidence indicates that the variant is pathogenic, but additional data are needed to prove that conclusively. Therefore, this variant has been classified as Likely Pathogenic.

Literature cited by the submitters: PubMed 16199547; PubMed 27588451; PubMed 27588452; PubMed 27627988.

NM_001330691.3(CEP78):c.892+2T>A

Gene: CEP78 (centrosomal protein 78; plus strand). Cytogenetic location: 9q21.2.
Variant type: single nucleotide variant.
Coding change: c.892+2T>A on transcript NM_001330691.3 (MANE Select); the canonical splice donor site of the intron after coding-DNA position 892, T replaced by A.
Molecular consequence: splice donor variant.
Genome position (GRCh38, 1-based): chr9:78,246,784, T>A. VCF-style: chr9-78246784-T-A. GRCh37 (hg19) VCF-style: chr9-80861700-T-A.
Other names: c.892+2T>A (NM_001349839.2, NM_001349840.2, NM_001330693.3 and 4 more transcripts).
Identifiers: ClinVar variation 2706155 (VCV002706155.3), dbSNP rs1478186269, ClinGen allele CA373856237.